The following is an entry in ClinVar:

ClinVar aggregate classification (germline): Uncertain significance (1 of 4 stars; one submission).

Conditions:
Primary ciliary dyskinesia. Also called: Ciliary dyskinesia. Identifiers: Orphanet 244, MedGen C0008780, MONDO:0016575, HP:0012265.

Allele frequency attached by ClinVar (database versions not stated): TOPMed below 0.00001.

Submission:

Labcorp Genetics (formerly Invitae), Labcorp
Classification: Uncertain significance for Primary ciliary dyskinesia. Last evaluated: 2018-10-24. Review status: criteria provided, single submitter. Criteria: Invitae Variant Classification Sherloc (09022015). Collection method: clinical testing. Allele origin: germline.
Comment: This sequence change replaces threonine with alanine at codon 3815 of the DNAH11 protein (p.Thr3815Ala). The threonine residue is moderately conserved and there is a small physicochemical difference between threonine and alanine. This variant is not present in population databases (ExAC no frequency). This variant has not been reported in the literature in individuals with DNAH11-related disease. Algorithms developed to predict the effect of missense changes on protein structure and function output the following: SIFT: "Tolerated"; PolyPhen-2: "Benign"; Align-GVGD: "Class C0". The alanine amino acid residue is found in multiple mammalian species, suggesting that this missense change does not adversely affect protein function. These predictions have not been confirmed by published functional studies and their clinical significance is uncertain. In summary, the available evidence is currently insufficient to determine the role of this variant in disease. Therefore, it has been classified as a Variant of Uncertain Significance.

NM_001277115.2(DNAH11):c.11443A>G (p.Thr3815Ala)

Gene: DNAH11 (dynein axonemal heavy chain 11; plus strand). Cytogenetic location: 7p15.3.
Variant type: single nucleotide variant.
Coding change: c.11443A>G on transcript NM_001277115.2 (MANE Select); coding-DNA position 11443, A replaced by G.
Protein change: p.Thr3815Ala; replaces threonine 3815 with alanine.
Molecular consequence: missense variant.
Genome position (GRCh38, 1-based): chr7:21,864,604, A>G. VCF-style: chr7-21864604-A-G. GRCh37 (hg19) VCF-style: chr7-21904222-A-G.
Other names: short protein forms T3815A.
Identifiers: ClinVar variation 643995 (VCV000643995.1), dbSNP rs1583787940, ClinGen allele CA366961696.